The following is an entry in ClinVar:

NM_001845.6(COL4A1):c.3495G>C (p.Lys1165Asn)

Gene: COL4A1 (collagen type IV alpha 1 chain; minus strand). Cytogenetic location: 13q34.
Variant type: single nucleotide variant.
Coding change: c.3495G>C on transcript NM_001845.6 (MANE Select); coding-DNA position 3495, G replaced by C.
Protein change: p.Lys1165Asn; replaces lysine 1165 with asparagine.
Molecular consequence: missense variant.
Genome position (GRCh38, 1-based): chr13:110,173,910, C>G on the plus strand (G>C on the coding strand, the complement: COL4A1 is on the minus strand). VCF-style: chr13-110173910-C-G. GRCh37 (hg19) VCF-style: chr13-110826257-C-G.
Other names: short protein forms K1165N.
Identifiers: ClinVar variation 2078674 (VCV002078674.4), dbSNP rs1877756617, ClinGen allele CA388664119.
Genomic context (GRCh38, chr13:110,173,910, plus strand): 5'-TGGGAGTGGACACTGCTGATTCTGATAGGGAATGGGGCGTTGGGCCATACCTGGTTCACC[C>G]TTCTCTCCTGCTGACCCCGGGATTCCATCACTGCCTGGCTCCCCTTTCTGGCCAGCTGGG-3'
Protein context (NP_001836.3, residues 1155-1175): SDGIPGSAGE[Lys1165Asn]GEPGLPGRGF

ClinVar aggregate classification (germline): Uncertain significance (1 of 4 stars; one submission).

Allele frequency attached by ClinVar (database versions not stated): TOPMed 0.00001.

Submission:

Labcorp Genetics (formerly Invitae), Labcorp
Classification: Uncertain significance. Last evaluated: 2025-03-04. Review status: criteria provided, single submitter. Criteria: Invitae Variant Classification Sherloc (09022015). Collection method: clinical testing. Allele origin: germline.
Comment: This sequence change replaces lysine, which is basic and polar, with asparagine, which is neutral and polar, at codon 1165 of the COL4A1 protein (p.Lys1165Asn). This variant is not present in population databases (gnomAD no frequency). This variant has not been reported in the literature in individuals affected with COL4A1-related conditions. ClinVar contains an entry for this variant (Variation ID: 2078674). Invitae Evidence Modeling of protein sequence and biophysical properties (such as structural, functional, and spatial information, amino acid conservation, physicochemical variation, residue mobility, and thermodynamic stability) indicates that this missense variant is not expected to disrupt COL4A1 protein function with a negative predictive value of 80%. In summary, the available evidence is currently insufficient to determine the role of this variant in disease. Therefore, it has been classified as a Variant of Uncertain Significance.